The following is an entry in ClinVar:

ClinVar aggregate classification (germline): Pathogenic (1 of 4 stars; one submission).

Conditions:
Breast-ovarian cancer, familial, susceptibility to, 4. Identifiers: Orphanet 145, MedGen C3280345, MONDO:0013669, OMIM 614291.

Submission:

Labcorp Genetics (formerly Invitae), Labcorp
Classification: Pathogenic for Breast-ovarian cancer, familial, susceptibility to, 4. Last evaluated: 2023-04-25. Review status: criteria provided, single submitter. Criteria: Invitae Variant Classification Sherloc (09022015). Collection method: clinical testing. Allele origin: germline.
Comment: ClinVar contains an entry for this variant (Variation ID: 1981569). For these reasons, this variant has been classified as Pathogenic. This sequence change creates a premature translational stop signal (p.Val6Serfs*11) in the RAD51D gene. It is expected to result in an absent or disrupted protein product. Loss-of-function variants in RAD51D are known to be pathogenic (PMID: 21822267). This variant is not present in population databases (gnomAD no frequency). This variant has not been reported in the literature in individuals affected with RAD51D-related conditions.

Literature cited by the submitters: PubMed 21822267.

NM_002878.4(RAD51D):c.16del (p.Val6fs)

Genes: RAD51L3-RFFL (RAD51L3-RFFL readthrough; minus strand), RAD51D (RAD51 paralog D; minus strand). Cytogenetic location: 17q12.
Variant type: Deletion.
Coding change: c.16del on transcript NM_002878.4 (MANE Select); coding-DNA position 16, one base deleted (G; older notation c.16delG).
Protein change: p.Val6fs; shifts the reading frame from valine 6.
Molecular consequence: frameshift variant. On other transcripts: non-coding transcript variant (2).
Genome position (GRCh38, 1-based): chr17:35,119,598, C deleted on the plus strand (G on the coding strand, the reverse complement: RAD51D is on the minus strand); the first of 3 consecutive C bases (chr17:35,119,598-35,119,600); deleting any one gives the same sequence. VCF-style (leftmost placement, unchanged base first): chr17-35119597-AC-A. GRCh37 (hg19) VCF-style: chr17-33446616-AC-A.
Other names: c.16del, p.Val6fs (NM_001142571.2, NM_133629.3); short protein forms V6fs.
Identifiers: ClinVar variation 1981569 (VCV001981569.4), dbSNP rs2509189361, ClinGen allele CA2580093644.